The following is an entry in ClinVar:

NM_005585.5(SMAD6):c.547C>T (p.Leu183Phe)

Gene: SMAD6 (SMAD family member 6; plus strand). Cytogenetic location: 15q22.31.
Variant type: single nucleotide variant.
Coding change: c.547C>T on transcript NM_005585.5 (MANE Select); coding-DNA position 547, C replaced by T.
Protein change: p.Leu183Phe; replaces leucine 183 with phenylalanine.
Molecular consequence: missense variant. On other transcripts: non-coding transcript variant (1).
Genome position (GRCh38, 1-based): chr15:66,703,805, C>T. VCF-style: chr15-66703805-C-T. GRCh37 (hg19) VCF-style: chr15-66996143-C-T.
Other names: short protein forms L183F.
Identifiers: ClinVar variation 3798832 (VCV003798832.1).
Genomic context (GRCh38, chr15:66,703,805, plus strand): 5'-TCGCGGCTGCTGCTGCTGGAGCAGGAACTCAAAACCGTCACGTACTCGCTGCTGAAGCGG[C>T]TCAAGGAGCGCTCGCTGGACACGCTGCTGGAGGCGGTGGAGTCCCGCGGCGGCGTGCCGG-3'
Protein context (NP_005576.3, residues 173-193): KTVTYSLLKR[Leu183Phe]KERSLDTLLE

ClinVar aggregate classification (germline): Uncertain significance (1 of 4 stars; one submission).

Conditions:
Inborn genetic diseases. Identifiers: MedGen C0950123, MeSH D030342.

gnomAD v4.1: 1 of 1,435,002 alleles (0.00007%); highest among the groups gnomAD compares: East Asian, 0.0032%; no homozygotes.

Submission:

Ambry Genetics
Classification: Uncertain significance for Inborn genetic diseases. Last evaluated: 2025-02-23. Review status: criteria provided, single submitter. Criteria: Ambry Variant Classification Scheme 2023. Collection method: clinical testing. Allele origin: germline.
Comment: The p.L183F variant (also known as c.547C>T), located in coding exon 1 of the SMAD6 gene, results from a C to T substitution at nucleotide position 547. The leucine at codon 183 is replaced by phenylalanine, an amino acid with highly similar properties. This amino acid position is conserved. In addition, the in silico prediction for this alteration is inconclusive. Based on the available evidence, the clinical significance of this variant remains unclear.